The following is an entry in ClinVar:

NM_004606.5(TAF1):c.3701G>A (p.Arg1234Gln)

Gene: TAF1 (TATA-box binding protein associated factor 1; plus strand). Cytogenetic location: Xq13.1.
Variant type: single nucleotide variant.
Coding change: c.3701G>A on transcript NM_004606.5 (MANE Select); coding-DNA position 3701, G replaced by A.
Protein change: p.Arg1234Gln; replaces arginine 1234 with glutamine.
Molecular consequence: missense variant. On other transcripts: non-coding transcript variant (9).
Genome position (GRCh38, 1-based): chrX:71,398,652, G>A. VCF-style: chrX-71398652-G-A. GRCh37 (hg19) VCF-style: chrX-70618502-G-A.
Other names: c.3701G>A, p.Arg1234Gln (NM_001286074.2); c.3638G>A, p.Arg1213Gln (NM_138923.4); short protein forms R1213Q, R1234Q.
Identifiers: ClinVar variation 2573825 (VCV002573825.3), dbSNP rs2520676862, ClinGen allele CA413531898.

ClinVar aggregate classification (germline): Pathogenic/Likely pathogenic. Review status: criteria provided, multiple submitters, no conflicts (2 of 4 stars). 2 submissions from 2 submitters: Pathogenic (1); Likely pathogenic (1). Last evaluated 2026-04-04.

Conditions:
Intellectual developmental disorder, X-linked, syndromic 33. Also called: Intellectual disability, X-linked, syndromic 33; X-linked intellectual disability-global development delay-facial dysmorphism-sacral caudal remnant syndrome. Identifiers: Orphanet 480907, MedGen C4225418, MONDO:0010500, OMIM 300966.

Submissions (2):

GeneDx
Classification: Pathogenic. Last evaluated: 2026-04-04. Review status: criteria provided, single submitter. Criteria: GeneDx Variant Classification Process June 2021. Collection method: clinical testing. Allele origin: germline.
Comment: Not observed at significant frequency in large population cohorts (gnomAD); In silico analysis supports that this missense variant has a deleterious effect on protein structure/function; Also known as p.Arg1234Gln; This variant is associated with the following publications: (PMID: 37795942)

3billion
Classification: Likely pathogenic for Intellectual developmental disorder, X-linked, syndromic 33. Last evaluated: 2024-01-17. Review status: criteria provided, single submitter. Criteria: ACMG Guidelines, 2015. Collection method: clinical testing. Allele origin: germline. Affected: yes.
Comment: The variant is not observed in the gnomAD v2.1.1 dataset. Predicted Consequence/Location: Missense changes are a common disease-causing mechanism. In silico tool predictions suggest damaging effect of the variant on gene or gene product [3Cnet: 0.86 (>=0.6, sensitivity 0.72 and precision 0.9)]. Same nucleotide change resulting in same amino acid change has been previously reported to be associated with TAF1 related disorder (ClinVar ID: VCV002573825). A different missense change at the same codon (p.Arg1234Trp) has been reported to be associated with TAF1 related disorder (ClinVar ID: VCV000694248 /PMID: 31646703). . Therefore, this variant is classified as Likely pathogenic according to the recommendation of ACMG/AMP guideline.

Literature cited by the submitters: PubMed 31646703 (cited by 3billion).